The following is an entry in ClinVar:

NM_152564.5(VPS13B):c.8750C>T (p.Ser2917Leu)

Gene: VPS13B (vacuolar protein sorting 13 homolog B; plus strand). Cytogenetic location: 8q22.2.
Variant type: single nucleotide variant.
Coding change: c.8750C>T on transcript NM_152564.5 (MANE Select); coding-DNA position 8750, C replaced by T.
Protein change: p.Ser2917Leu; replaces serine 2917 with leucine.
Molecular consequence: missense variant.
Genome position (GRCh38, 1-based): chr8:99,819,540, C>T. VCF-style: chr8-99819540-C-T. GRCh37 (hg19) VCF-style: chr8-100831768-C-T.
Other names: c.8825C>T, p.Ser2942Leu (NM_017890.5); c.8750C>T (NM_152564.4); short protein forms S2917L, S2942L.
Identifiers: ClinVar variation 654915 (VCV000654915.18), dbSNP rs139732310, ClinGen allele CA4824537.

ClinVar aggregate classification (germline): Conflicting classifications of pathogenicity. Review status: criteria provided, conflicting classifications (1 of 4 stars). 7 submissions from 7 submitters: Uncertain significance (5); Likely benign (1). 1 of the submissions does not count toward it. Last evaluated 2025-03-18.

Conditions:
VPS13B-related disorder. Also called: VPS13B-related condition.
Inborn genetic diseases. Identifiers: MedGen C0950123, MeSH D030342.
Cohen syndrome (COH1). Also called: Cutis verticis gyrata, retinitis pigmentosa, and sensorineural deafness; PEPPER SYNDROME. Identifiers: Orphanet 193, MedGen C0265223, MONDO:0008999, OMIM 216550.

Allele frequency attached by ClinVar (database versions not stated): ExAC 0.00003; TOPMed 0.00006; ESP Exome Variant Server 0.00008; gnomAD 0.00013.
gnomAD v4.1: 157 of 1,613,626 alleles (0.0097%); highest among the groups gnomAD compares: East Asian, 0.033%; no homozygotes.

Submissions (7):

PreventionGenetics, part of Exact Sciences
Classification: Uncertain significance for VPS13B-related condition. Last evaluated: 2025-03-18. Review status: criteria provided, single submitter. Criteria: ACMG Guidelines, 2015. Collection method: clinical testing. Allele origin: germline.
Comment: The VPS13B c.8750C>T variant is predicted to result in the amino acid substitution p.Ser2917Leu. To our knowledge, this variant has not been reported in the literature. This variant is reported in 0.011% of alleles in individuals of European (Non-Finnish) descent in gnomAD. At this time, the clinical significance of this variant is uncertain due to the absence of conclusive functional and genetic evidence.

Labcorp Genetics (formerly Invitae), Labcorp
Classification: Uncertain significance for Cohen syndrome. Last evaluated: 2024-11-27. Review status: criteria provided, single submitter. Criteria: Invitae Variant Classification Sherloc (09022015). Collection method: clinical testing. Allele origin: germline.
Comment: This sequence change replaces serine, which is neutral and polar, with leucine, which is neutral and non-polar, at codon 2942 of the VPS13B protein (p.Ser2942Leu). This variant is present in population databases (rs139732310, gnomAD 0.01%). This variant has not been reported in the literature in individuals affected with VPS13B-related conditions. ClinVar contains an entry for this variant (Variation ID: 654915). Invitae Evidence Modeling of protein sequence and biophysical properties (such as structural, functional, and spatial information, amino acid conservation, physicochemical variation, residue mobility, and thermodynamic stability) indicates that this missense variant is not expected to disrupt VPS13B protein function with a negative predictive value of 80%. In summary, the available evidence is currently insufficient to determine the role of this variant in disease. Therefore, it has been classified as a Variant of Uncertain Significance.

Blueprint Genetics
Classification: Likely benign. Last evaluated: 2024-10-17. Review status: criteria provided, single submitter. Criteria: ACMG Guidelines, 2015. Collection method: clinical testing. Allele origin: germline.

Ambry Genetics
Classification: Uncertain significance for Inborn genetic diseases. Last evaluated: 2022-09-15. Review status: criteria provided, single submitter. Criteria: Ambry Variant Classification Scheme 2023. Collection method: clinical testing. Allele origin: germline.

GeneDx
Classification: Uncertain significance. Last evaluated: 2022-01-12. Review status: criteria provided, single submitter. Criteria: GeneDx Variant Classification Process June 2021. Collection method: clinical testing. Allele origin: germline. Affected: yes.
Comment: Not observed at significant frequency in large population cohorts (gnomAD); In silico analysis supports that this missense variant does not alter protein structure/function; Has not been previously published as pathogenic or benign to our knowledge

Genetic Services Laboratory, University of Chicago
Classification: Uncertain significance. Last evaluated: 2017-11-07. Review status: criteria provided, single submitter. Criteria: ACMG Guidelines, 2015. Collection method: clinical testing. Allele origin: germline. Affected: no.

Natera, Inc.
Classification: Uncertain significance for Cohen syndrome. Last evaluated: 2020-08-13. Review status: no assertion criteria provided. Collection method: clinical testing. Allele origin: germline. Not counted in ClinVar's aggregate classification.